The following is an entry in ClinVar:

ClinVar aggregate classification (germline): Pathogenic (1 of 4 stars; one submission).

Submission:

Labcorp Genetics (formerly Invitae), Labcorp
Classification: Pathogenic. Last evaluated: 2024-03-11. Review status: criteria provided, single submitter. Criteria: Invitae Variant Classification Sherloc (09022015). Collection method: clinical testing. Allele origin: germline.
Comment: This sequence change creates a premature translational stop signal (p.Trp25*) in the OSTM1 gene. It is expected to result in an absent or disrupted protein product. Loss-of-function variants in OSTM1 are known to be pathogenic (PMID: 12627228, 15108279, 16813530). This variant is not present in population databases (gnomAD no frequency). This variant has not been reported in the literature in individuals affected with OSTM1-related conditions. ClinVar contains an entry for this variant (Variation ID: 2006802). For these reasons, this variant has been classified as Pathogenic.

Literature cited by the submitters: PubMed 12627228; PubMed 15108279; PubMed 16813530.

NM_014028.4(OSTM1):c.74G>A (p.Trp25Ter)

Genes: OSTM1 (osteoclastogenesis associated transmembrane protein 1; minus strand), LOC129996933 (ATAC-STARR-seq lymphoblastoid silent region 17446; plus strand). Cytogenetic location: 6q21.
Variant type: single nucleotide variant.
Coding change: c.74G>A on transcript NM_014028.4 (MANE Select); coding-DNA position 74, G replaced by A.
Protein change: p.Trp25Ter; replaces tryptophan 25 with a stop codon.
Molecular consequence: nonsense.
Genome position (GRCh38, 1-based): chr6:108,074,578, C>T on the plus strand (G>A on the coding strand, the complement: OSTM1 is on the minus strand). VCF-style: chr6-108074578-C-T. GRCh37 (hg19) VCF-style: chr6-108395782-C-T.
Other names: short protein forms W25*.
Identifiers: ClinVar variation 2006802 (VCV002006802.4), dbSNP rs995427170, ClinGen allele CA365331419.
Genomic context (GRCh38, chr6:108,074,578, plus strand): 5'-TCGTGGAAGACCCTGTGCGGACTGCTGCCGAAGGGGAGCGCGCCCAGGGCCAGCCCCGAC[C>T]ACAGCAGCAGCCCCAGCGGCAGCCACGGCGGCAACGAACACCTCCGCTGCGCGGCTGTCG-3'